The following is an entry in ClinVar:

NM_153603.4(COG7):c.1851C>T (p.Pro617=)

Gene: COG7 (component of oligomeric golgi complex 7; minus strand). Cytogenetic location: 16p12.2.
Variant type: single nucleotide variant.
Coding change: c.1851C>T on transcript NM_153603.4 (MANE Select); coding-DNA position 1851, C replaced by T.
Protein change: p.Pro617=; no amino-acid change (proline 617 retained).
Molecular consequence: synonymous variant.
Genome position (GRCh38, 1-based): chr16:23,398,082, G>A on the plus strand (C>T on the coding strand, the complement: COG7 is on the minus strand). VCF-style: chr16-23398082-G-A. GRCh37 (hg19) VCF-style: chr16-23409403-G-A.
Identifiers: ClinVar variation 515731 (VCV000515731.11), dbSNP rs748835759, ClinGen allele CA7960856.
Genomic context (GRCh38, chr16:23,398,082, plus strand): 5'-GGAGAAGCACACAGAAGCTCTTACGTTGCTGATGTACTCGAGAGGGGTGAGACTAAAGGC[G>A]GGCAGTTCATCTGTGAGGGTTTCTCCGATGCCAGCCGTATTCCAGCTCTAAGGGTGGAAC-3'
Protein context (NP_705831.1, residues 607-627): GIGETLTDEL[Pro617=]AFSLTPLEYI

ClinVar aggregate classification (germline): Conflicting classifications of pathogenicity. Review status: criteria provided, conflicting classifications (1 of 4 stars). 4 submissions from 4 submitters: Uncertain significance (1); Likely benign (2). 1 of the submissions does not count toward it. Last evaluated 2025-12-03.

Conditions:
COG7 congenital disorder of glycosylation (CDG2E). Also called: CONGENITAL DISORDER OF GLYCOSYLATION, TYPE IIe; CDG IIe. Identifiers: Orphanet 79333, MedGen C2931010, MONDO:0012118, OMIM 608779.
COG7-related disorder. Also called: COG7-related condition.

Allele frequency attached by ClinVar (database versions not stated): ExAC 0.00006; gnomAD 0.00006 and 0.00005; TOPMed 0.00006; gnomAD exomes 0.00010.
gnomAD v4.1: 64 of 1,613,978 alleles (0.004%); highest among the groups gnomAD compares: Admixed American, 0.033%; no homozygotes.

Submissions (4):

Labcorp Genetics (formerly Invitae), Labcorp
Classification: Likely benign for COG7 congenital disorder of glycosylation. Last evaluated: 2025-12-03. Review status: criteria provided, single submitter. Criteria: Invitae Variant Classification Sherloc (09022015). Collection method: clinical testing. Allele origin: germline.

GeneDx
Classification: Likely benign. Last evaluated: 2018-03-09. Review status: criteria provided, single submitter. Criteria: GeneDx Variant Classification (06012015). Collection method: clinical testing. Allele origin: germline. Affected: yes.
Comment: This variant is considered likely benign or benign based on one or more of the following criteria: it is a conservative change, it occurs at a poorly conserved position in the protein, it is predicted to be benign by multiple in silico algorithms, and/or has population frequency not consistent with disease.

Illumina Laboratory Services, Illumina
Classification: Uncertain significance for COG7 congenital disorder of glycosylation. Last evaluated: 2018-01-12. Review status: criteria provided, single submitter. Criteria: ICSL Variant Classification Criteria 13 December 2019. Collection method: clinical testing. Allele origin: germline.

PreventionGenetics, part of Exact Sciences
Classification: Likely benign for COG7-related condition. Last evaluated: 2019-03-28. Review status: no assertion criteria provided. Collection method: clinical testing. Allele origin: germline. Not counted in ClinVar's aggregate classification.
Comment: This variant is classified as likely benign based on ACMG/AMP sequence variant interpretation guidelines (Richards et al. 2015 PMID: 25741868, with internal and published modifications).